The following is an entry in ClinVar:

ClinVar aggregate classification (germline): Uncertain significance. Review status: criteria provided, multiple submitters, no conflicts (2 of 4 stars). 2 submissions from 2 submitters: Uncertain significance (2). Last evaluated 2024-03-19.

Conditions:
Van Maldergem syndrome 2 (VMLDS2). Identifiers: Orphanet 314679, MedGen C3809875, MONDO:0014242, OMIM 615546.
Hennekam lymphangiectasia-lymphedema syndrome 2 (HKLLS2). Identifiers: Orphanet 2136, MedGen C4014939, MONDO:0014454, OMIM 616006.

Allele frequency attached by ClinVar (database versions not stated): gnomAD 0.00001 and 0.00002; gnomAD exomes 0.00002; 1000 Genomes Project 0.00020; TOPMed 0.00002; ExAC 0.00003; 1000 Genomes Project 30x 0.00016.
gnomAD v4.1: 8 of 1,614,066 alleles (0.0005%); highest among the groups gnomAD compares: East Asian, 0.0067%; no homozygotes.

Submissions (2):

Fulgent Genetics
Classification: Uncertain significance for Van Maldergem syndrome 2; Hennekam lymphangiectasia-lymphedema syndrome 2. Last evaluated: 2024-03-19. Review status: criteria provided, single submitter. Criteria: ACMG Guidelines, 2015. Collection method: clinical testing. Allele origin: germline.

Labcorp Genetics (formerly Invitae), Labcorp
Classification: Uncertain significance. Last evaluated: 2023-12-18. Review status: criteria provided, single submitter. Criteria: Invitae Variant Classification Sherloc (09022015). Collection method: clinical testing. Allele origin: germline.
Comment: This sequence change replaces valine, which is neutral and non-polar, with methionine, which is neutral and non-polar, at codon 3395 of the FAT4 protein (p.Val3395Met). This variant is present in population databases (rs531437241, gnomAD 0.01%). This variant has not been reported in the literature in individuals affected with FAT4-related conditions. ClinVar contains an entry for this variant (Variation ID: 1423102). Advanced modeling of protein sequence and biophysical properties (such as structural, functional, and spatial information, amino acid conservation, physicochemical variation, residue mobility, and thermodynamic stability) performed at Invitae indicates that this missense variant is expected to disrupt FAT4 protein function with a positive predictive value of 80%. In summary, the available evidence is currently insufficient to determine the role of this variant in disease. Therefore, it has been classified as a Variant of Uncertain Significance.

NM_001291303.3(FAT4):c.10189G>A (p.Val3397Met)

Gene: FAT4 (FAT atypical cadherin 4; plus strand). Cytogenetic location: 4q28.1.
Variant type: single nucleotide variant.
Coding change: c.10189G>A on transcript NM_001291303.3 (MANE Select); coding-DNA position 10189, G replaced by A.
Protein change: p.Val3397Met; replaces valine 3397 with methionine.
Molecular consequence: missense variant.
Genome position (GRCh38, 1-based): chr4:125,451,199, G>A. VCF-style: chr4-125451199-G-A. GRCh37 (hg19) VCF-style: chr4-126372354-G-A.
Other names: c.10183G>A (NM_024582.5); c.10189G>A, p.Val3397Met (NM_001291285.3); c.10183G>A, p.Val3395Met (NM_024582.6); short protein forms V3397M, V3395M.
Identifiers: ClinVar variation 1423102 (VCV001423102.9), dbSNP rs531437241, ClinGen allele CA3073649.